The following is an entry in ClinVar:

ClinVar aggregate classification (germline): Pathogenic/Likely pathogenic. Review status: criteria provided, multiple submitters, no conflicts (2 of 4 stars). 4 submissions from 4 submitters: Pathogenic (2); Likely pathogenic (2). Last evaluated 2023-10-20.

Conditions:
Hereditary cancer-predisposing syndrome. Also called: Neoplastic Syndromes, Hereditary; Tumor predisposition; Hereditary neoplastic syndrome; Hereditary Cancer Syndrome. Identifiers: Orphanet 140162, MedGen C0027672, MeSH D009386, MONDO:0015356.
Familial cancer of breast. Also called: BREAST CANCER, FAMILIAL; Hereditary breast cancer; hereditary breast carcinoma. Identifiers: Orphanet 227535, MedGen C0346153, MONDO:0016419, OMIM 114480. Disease mechanism: loss of function.

Submissions (4):

Baylor Genetics
Classification: Likely pathogenic for Familial cancer of breast. Last evaluated: 2023-10-20. Review status: criteria provided, single submitter. Criteria: ACMG Guidelines, 2015. Collection method: clinical testing. Allele origin: unknown.

Myriad Genetics, Inc.
Classification: Pathogenic for Familial cancer of breast. Last evaluated: 2023-05-31. Review status: criteria provided, single submitter. Criteria: Myriad Autosomal Dominant, Autosomal Recessive and X-Linked Classification Criteria (2023). Collection method: clinical testing. Allele origin: unknown.
Comment: This variant is considered pathogenic. This variant creates a frameshift predicted to result in premature protein truncation.

Women's Health and Genetics/Laboratory Corporation of America, LabCorp
Classification: Likely pathogenic for Familial cancer of breast. Last evaluated: 2019-09-07. Review status: criteria provided, single submitter. Criteria: LabCorp Variant Classification Summary - May 2015. Collection method: clinical testing. Allele origin: germline.
Comment: Variant summary: BRIP1 c.646delA (p.Arg216GlyfsX58) results in a premature termination codon, predicted to cause a truncation of the encoded protein or absence of the protein due to nonsense mediated decay, which are commonly known mechanisms for disease. Truncations downstream of this position have been classified as pathogenic by our laboratory. The variant was absent in 250192 control chromosomes. To our knowledge, no occurrence of c.646delA in individuals affected with Breast Cancer and no experimental evidence demonstrating its impact on protein function have been reported. No clinical diagnostic laboratories have submitted clinical-significance assessments for this variant to ClinVar after 2014. Based on the evidence outlined above, the variant was classified as likely pathogenic.

Ambry Genetics
Classification: Pathogenic for Hereditary cancer-predisposing syndrome. Last evaluated: 2019-08-23. Review status: criteria provided, single submitter. Criteria: Ambry Variant Classification Scheme 2023. Collection method: clinical testing. Allele origin: germline.
Comment: The c.646delA pathogenic mutation, located in coding exon 6 of the BRIP1 gene, results from a deletion of one nucleotide at nucleotide position 646, causing a translational frameshift with a predicted alternate stop codon (p.R216Gfs*58). This alteration is expected to result in loss of function by premature protein truncation or nonsense-mediated mRNA decay. As such, this alteration is interpreted as a disease-causing mutation.

NM_032043.3(BRIP1):c.646del (p.Arg216fs)

Gene: BRIP1 (BRCA1 interacting DNA helicase 1; minus strand). Cytogenetic location: 17q23.2.
Variant type: Deletion.
Coding change: c.646del on transcript NM_032043.3 (MANE Select); coding-DNA position 646, one base deleted (A; older notation c.646delA).
Protein change: p.Arg216fs; shifts the reading frame from arginine 216.
Molecular consequence: frameshift variant.
Genome position (GRCh38, 1-based): chr17:61,808,739, T deleted on the plus strand (A on the coding strand, the reverse complement: BRIP1 is on the minus strand). VCF-style (leftmost placement, unchanged base first): chr17-61808738-CT-C. GRCh37 (hg19) VCF-style: chr17-59886099-CT-C.
Other names: c.646del (NM_032043.2); short protein forms R216fs.
Identifiers: ClinVar variation 826424 (VCV000826424.9), dbSNP rs1603347042, ClinGen allele CA915950720.